The following is an entry in ClinVar:

ClinVar aggregate classification (germline): Uncertain significance. Review status: criteria provided, multiple submitters, no conflicts (2 of 4 stars). 3 submissions from 3 submitters: Uncertain significance (3). Last evaluated 2025-09-09.

Conditions:
Inborn genetic diseases. Identifiers: MedGen C0950123, MeSH D030342.
MYO18B-related disorder. Also called: MYO18B-related condition.

Allele frequency attached by ClinVar (database versions not stated): TOPMed 0.00002; ExAC 0.00004; gnomAD exomes 0.00005.
gnomAD v4.1: 15 of 1,613,686 alleles (0.00093%); highest among the groups gnomAD compares: Admixed American, 0.025%; no homozygotes.

Submissions (3):

PreventionGenetics, part of Exact Sciences
Classification: Uncertain significance for MYO18B-related condition. Last evaluated: 2025-09-09. Review status: criteria provided, single submitter. Criteria: ACMG Guidelines, 2015. Collection method: clinical testing. Allele origin: germline.
Comment: The MYO18B c.427C>T variant is predicted to result in the amino acid substitution p.Pro143Ser. To our knowledge, this variant has not been reported in the literature. This variant is reported in 0.038% of alleles in individuals of Latino descent in gnomAD. At this time, the clinical significance of this variant is uncertain due to the absence of conclusive functional and genetic evidence.

Ambry Genetics
Classification: Uncertain significance for Inborn genetic diseases. Last evaluated: 2025-08-19. Review status: criteria provided, single submitter. Criteria: Ambry Variant Classification Scheme 2023. Collection method: clinical testing. Allele origin: germline.

Labcorp Genetics (formerly Invitae), Labcorp
Classification: Uncertain significance. Last evaluated: 2022-07-19. Review status: criteria provided, single submitter. Criteria: Invitae Variant Classification Sherloc (09022015). Collection method: clinical testing. Allele origin: germline.
Comment: This sequence change replaces proline, which is neutral and non-polar, with serine, which is neutral and polar, at codon 143 of the MYO18B protein (p.Pro143Ser). This variant is present in population databases (rs746828963, gnomAD 0.04%). This variant has not been reported in the literature in individuals affected with MYO18B-related conditions. ClinVar contains an entry for this variant (Variation ID: 1410957). Algorithms developed to predict the effect of missense changes on protein structure and function are either unavailable or do not agree on the potential impact of this missense change (SIFT: "Not Available"; PolyPhen-2: "Probably Damaging"; Align-GVGD: "Not Available"). In summary, the available evidence is currently insufficient to determine the role of this variant in disease. Therefore, it has been classified as a Variant of Uncertain Significance.

NM_032608.7(MYO18B):c.427C>T (p.Pro143Ser)

Gene: MYO18B (myosin XVIIIB; plus strand). Cytogenetic location: 22q12.1.
Variant type: single nucleotide variant.
Coding change: c.427C>T on transcript NM_032608.7 (MANE Select); coding-DNA position 427, C replaced by T.
Protein change: p.Pro143Ser; replaces proline 143 with serine.
Molecular consequence: missense variant.
Genome position (GRCh38, 1-based): chr22:25,768,343, C>T. VCF-style: chr22-25768343-C-T. GRCh37 (hg19) VCF-style: chr22-26164310-C-T.
Other names: c.427C>T (NM_032608.6, NM_032608.5); c.427C>T, p.Pro143Ser (NM_001318245.2); short protein forms P143S.
Identifiers: ClinVar variation 1410957 (VCV001410957.5), dbSNP rs746828963, ClinGen allele CA10159578.